The following is an entry in ClinVar:

NM_007272.3(CTRC):c.499G>C (p.Gly167Arg)

Gene: CTRC (chymotrypsin C; plus strand). Cytogenetic location: 1p36.21.
Variant type: single nucleotide variant.
Coding change: c.499G>C on transcript NM_007272.3 (MANE Select); coding-DNA position 499, G replaced by C.
Protein change: p.Gly167Arg; replaces glycine 167 with arginine.
Molecular consequence: missense variant.
Genome position (GRCh38, 1-based): chr1:15,444,611, G>C. VCF-style: chr1-15444611-G-C. GRCh37 (hg19) VCF-style: chr1-15771106-G-C.
Other names: short protein forms G167R.
Identifiers: ClinVar variation 811227 (VCV000811227.34), dbSNP rs141205711, ClinGen allele CA613369.

ClinVar aggregate classification (germline): Uncertain significance. Review status: criteria provided, multiple submitters, no conflicts (2 of 4 stars). 3 submissions from 3 submitters: Uncertain significance (3). Last evaluated 2024-11-16.

Conditions:
Hereditary pancreatitis (PCTT). Also called: Hereditary chronic pancreatitis; PRSS1-Related Hereditary Pancreatitis. Identifiers: Orphanet 676, MedGen C0238339, MONDO:0008185, OMIM 167800.

Allele frequency attached by ClinVar (database versions not stated): TOPMed 0.00002.
gnomAD v4.1: 7 of 1,614,054 alleles (0.00043%); highest among the groups gnomAD compares: Non-Finnish European, 0.00059%; no homozygotes.

Submissions (3):

Ambry Genetics
Classification: Uncertain significance for Hereditary pancreatitis. Last evaluated: 2024-11-16. Review status: criteria provided, single submitter. Criteria: Ambry Variant Classification Scheme 2023. Collection method: clinical testing. Allele origin: germline.
Comment: The p.G167R variant (also known as c.499G>C), located in coding exon 6 of the CTRC gene, results from a G to C substitution at nucleotide position 499. The glycine at codon 167 is replaced by arginine, an amino acid with dissimilar properties. This amino acid position is highly conserved in available vertebrate species. In addition, this alteration is predicted to be deleterious by in silico analysis. Since supporting evidence is limited at this time, the clinical significance of this alteration remains unclear.

CeGaT Center for Human Genetics Tuebingen
Classification: Uncertain significance. Last evaluated: 2023-01-01. Review status: criteria provided, single submitter. Criteria: CeGaT Center For Human Genetics Tuebingen Variant Classification Criteria Version 2. Collection method: clinical testing. Allele origin: germline. Affected: yes. Observed: 1 variant allele.
Comment: CTRC: PM2

ARUP Laboratories, Molecular Genetics and Genomics, ARUP Laboratories
Classification: Uncertain significance for Hereditary pancreatitis. Last evaluated: 2018-12-12. Review status: criteria provided, single submitter. Criteria: ARUP Molecular Germline Variant Investigation Process. Collection method: clinical testing. Allele origin: germline.
Comment: The CTRC c.499G>C; p.Gly167Arg variant (rs141205711), to our knowledge, is not reported in the medical literature or gene specific databases. This variant is only observed on two alleles in the Genome Aggregation Database, indicating it is not a common polymorphism. The glycine at codon 167 is highly conserved, and computational analyses (SIFT, PolyPhen-2) predict that this variant is deleterious. Due to limited information, the clinical significance of the p.Gly167Arg variant is uncertain at this time.